The following is an entry in ClinVar:

NM_015378.4(VPS13D):c.7258A>G (p.Ile2420Val)

Gene: VPS13D (vacuolar protein sorting 13 homolog D; plus strand). Cytogenetic location: 1p36.22.
Variant type: single nucleotide variant.
Coding change: c.7258A>G on transcript NM_015378.4 (MANE Select); coding-DNA position 7258, A replaced by G.
Protein change: p.Ile2420Val; replaces isoleucine 2420 with valine.
Molecular consequence: missense variant.
Genome position (GRCh38, 1-based): chr1:12,318,181, A>G. VCF-style: chr1-12318181-A-G. GRCh37 (hg19) VCF-style: chr1-12378238-A-G.
Other names: p.Ile2420Val; c.7258A>G (NM_015378.2); c.7258A>G, p.Ile2420Val (NM_018156.4); short protein forms I2420V.
Identifiers: ClinVar variation 3380872 (VCV003380872.2).

ClinVar aggregate classification (germline): Uncertain significance. Review status: criteria provided, multiple submitters, no conflicts (2 of 4 stars). 2 submissions from 2 submitters: Uncertain significance (2). Last evaluated 2025-08-30.

Conditions:
Inborn genetic diseases. Identifiers: MedGen C0950123, MeSH D030342.

gnomAD v4.1: 8 of 1,614,176 alleles (0.0005%); highest among the groups gnomAD compares: South Asian, 0.0011%; no homozygotes.

Submissions (2):

Ambry Genetics
Classification: Uncertain significance for Inborn genetic diseases. Last evaluated: 2025-08-30. Review status: criteria provided, single submitter. Criteria: Ambry Variant Classification Scheme 2023. Collection method: clinical testing. Allele origin: germline.

Mayo Clinic Laboratories, Mayo Clinic
Classification: Uncertain significance. Last evaluated: 2024-03-08. Review status: criteria provided, single submitter. Criteria: ACMG Guidelines, 2015. Collection method: clinical testing. Allele origin: germline. Observed: 1 variant allele.
Comment: BP4, PM2